The following is an entry in ClinVar:

NM_001035.3(RYR2):c.8392A>G (p.Met2798Val)

Gene: RYR2 (ryanodine receptor 2; plus strand). Cytogenetic location: 1q43.
Variant type: single nucleotide variant.
Coding change: c.8392A>G on transcript NM_001035.3 (MANE Select); coding-DNA position 8392, A replaced by G.
Protein change: p.Met2798Val; replaces methionine 2798 with valine.
Molecular consequence: missense variant.
Genome position (GRCh38, 1-based): chr1:237,660,903, A>G. VCF-style: chr1-237660903-A-G. GRCh37 (hg19) VCF-style: chr1-237824203-A-G.
Other names: c.8392A>G (NM_001035.2); short protein forms M2798V.
Identifiers: ClinVar variation 3385793 (VCV003385793.2).
Genomic context (GRCh38, chr1:237,660,903, plus strand): 5'-TCTTTAAAAACTATGCTGGCTTGGGGCTGGAGAATTGAAAGAACTCGGGAGGGAGACAGC[A>G]TGGCCCTTTACAACCGGACTCGTCGTATTTCTCAGACAAGCCAGGTAAGAATTCATCACG-3'
Protein context (NP_001026.2, residues 2788-2808): RIERTREGDS[Met2798Val]ALYNRTRRIS

ClinVar aggregate classification (germline): Uncertain significance. Review status: criteria provided, multiple submitters, no conflicts (2 of 4 stars). 2 submissions from 2 submitters: Uncertain significance (2). Last evaluated 2025-12-11.

Conditions:
Cardiovascular phenotype. Identifiers: MedGen CN230736.
Catecholaminergic polymorphic ventricular tachycardia (CVPT). Also called: Catecholamine-induced polymorphic ventricular tachycardia. Identifiers: Orphanet 3286, MedGen C5574922, MONDO:0017990.

gnomAD v4.1: 3 of 1,522,244 alleles (0.0002%); highest among the groups gnomAD compares: Non-Finnish European, 0.00027%; no homozygotes.

Submissions (2):

Ambry Genetics
Classification: Uncertain significance for Cardiovascular phenotype. Last evaluated: 2025-12-11. Review status: criteria provided, single submitter. Criteria: Ambry Variant Classification Scheme 2023. Collection method: clinical testing. Allele origin: germline.
Comment: The p.M2798V variant (also known as c.8392A>G), located in coding exon 56 of the RYR2 gene, results from an A to G substitution at nucleotide position 8392. The methionine at codon 2798 is replaced by valine, an amino acid with highly similar properties. This amino acid position is conserved. In addition, the in silico prediction for this alteration is inconclusive. Based on the available evidence, the clinical significance of this variant remains unclear.

All of Us Research Program, National Institutes of Health
Classification: Uncertain significance for Catecholaminergic polymorphic ventricular tachycardia. Last evaluated: 2024-04-25. Review status: criteria provided, single submitter. Criteria: ACMG Guidelines, 2015. Collection method: clinical testing. Allele origin: germline. Inheritance: Autosomal dominant inheritance. Observed: 1 variant allele, 1 heterozygote.
Comment: This missense variant replaces methionine with valine at codon 2798 of the RYR2 protein. Computational prediction suggests that this variant may not impact protein structure and function (internally defined REVEL score threshold <= 0.5, PMID: 27666373). To our knowledge, functional studies have not been reported for this variant. This variant has not been reported in individuals affected with RYR2-related disorders in the literature. This variant has not been identified in the general population by the Genome Aggregation Database (gnomAD). The available evidence is insufficient to determine the role of this variant in disease conclusively. Therefore, this variant is classified as a Variant of Uncertain Significance.

This study involves interpretation of variants in research participants for the purpose of population health screening. Participant phenotype was not available at the time of variant classification. Additional details can be found in publication PMID: 35346344, PMCID: PMC8962531